The following is an entry in ClinVar:

NM_000321.3(RB1):c.1282G>C (p.Glu428Gln)

Gene: RB1 (RB transcriptional corepressor 1; plus strand). Cytogenetic location: 13q14.2.
Variant type: single nucleotide variant.
Coding change: c.1282G>C on transcript NM_000321.3 (MANE Select); coding-DNA position 1282, G replaced by C.
Protein change: p.Glu428Gln; replaces glutamic acid 428 with glutamine.
Molecular consequence: missense variant.
Genome position (GRCh38, 1-based): chr13:48,376,984, G>C. VCF-style: chr13-48376984-G-C. GRCh37 (hg19) VCF-style: chr13-48951120-G-C.
Other names: c.1282G>C, p.Glu428Gln (NM_001407165.1, NM_001407166.1); short protein forms E428Q.
Identifiers: ClinVar variation 1768300 (VCV001768300.3), dbSNP rs2138136517, ClinGen allele CA388162083.

ClinVar aggregate classification (germline): Uncertain significance (1 of 4 stars; one submission).

Conditions:
Hereditary cancer-predisposing syndrome. Also called: Hereditary Cancer Syndrome; Hereditary neoplastic syndrome; Neoplastic Syndromes, Hereditary; Tumor predisposition. Identifiers: Orphanet 140162, MedGen C0027672, MeSH D009386, MONDO:0015356.

Submission:

Ambry Genetics
Classification: Uncertain significance for Hereditary cancer-predisposing syndrome. Last evaluated: 2025-03-28. Review status: criteria provided, single submitter. Criteria: Ambry Variant Classification Scheme 2023. Collection method: clinical testing. Allele origin: germline.
Comment: The p.E428Q variant (also known as c.1282G>C), located in coding exon 13 of the RB1 gene, results from a G to C substitution at nucleotide position 1282. The glutamic acid at codon 428 is replaced by glutamine, an amino acid with highly similar properties. This amino acid position is conserved. In addition, this alteration is predicted to be tolerated by in silico analysis. Since supporting evidence is limited at this time, the clinical significance of this alteration remains unclear.